The following is an entry in ClinVar:

ClinVar aggregate classification (germline): Conflicting classifications of pathogenicity. Review status: criteria provided, conflicting classifications (1 of 4 stars). 11 submissions from 8 submitters: Uncertain significance (4); Likely benign (5). 2 of the submissions do not count toward it. Last evaluated 2025-11-25.

Conditions:
CFH-Related Dense Deposit Disease / Membranoproliferative Glomerulonephritis Type II. Identifiers: MedGen CN071292.
Basal laminar drusen. Also called: DRUSEN OF BRUCH MEMBRANE; DRUSEN, CUTICULAR; DRUSEN, EARLY ADULT-ONSET, GROUPED. Identifiers: Orphanet 75376, MedGen C0730295, MONDO:0007472, OMIM 126700.
Age related macular degeneration 4. Identifiers: MedGen C1853147, MONDO:0012540, OMIM 610698.
Hemolytic uremic syndrome, atypical, susceptibility to, 1. Also called: AHUS, SUSCEPTIBILITY TO, 1. Identifiers: Orphanet 2134, Orphanet 90038, MedGen C2749604, MONDO:0009335, OMIM 235400. Disease mechanism: Other.
Factor H deficiency (CFHD). Also called: COMPLEMENT FACTOR H DEFICIENCY; CFH DEFICIENCY. Identifiers: Orphanet 200421, MedGen C0398777, MONDO:0012350, OMIM 609814.
Atypical hemolytic-uremic syndrome. Identifiers: Orphanet 2134, MedGen C2931788, MONDO:0016244.

Allele frequency attached by ClinVar (database versions not stated): gnomAD 0.00010; TOPMed 0.00012; 1000 Genomes Project 30x 0.00016; 1000 Genomes Project 0.00020; ESP Exome Variant Server 0.00031; gnomAD exomes 0.00033; ExAC 0.00040.
gnomAD v4.1: 290 of 1,612,560 alleles (0.018%); highest among the groups gnomAD compares: Middle Eastern, 0.083%; no homozygotes.

Submissions (11):

Labcorp Genetics (formerly Invitae), Labcorp
Classification: Uncertain significance. Last evaluated: 2025-11-25. Review status: criteria provided, single submitter. Criteria: Invitae Variant Classification Sherloc (09022015). Collection method: clinical testing. Allele origin: germline.
Comment: This sequence change replaces asparagine, which is neutral and polar, with lysine, which is basic and polar, at codon 516 of the CFH protein (p.Asn516Lys). This variant is present in population databases (rs147403664, gnomAD 0.08%). This missense change has been observed in individual(s) with atypical hemolytic uremic syndrome or age-related macular degeneration (PMID: 23431077, 25037630, 26501415, 29606012, 29888403, 30916388, 34508573, 34852172, 35925583). ClinVar contains an entry for this variant (Variation ID: 294493). An algorithm developed to predict the effect of missense changes on protein structure and function outputs the following: PolyPhen-2: "Benign". The lysine amino acid residue is found in multiple mammalian species, which suggests that this missense change does not adversely affect protein function. Experimental studies have shown that this missense change does not substantially affect CFH function (PMID: 34189567). In summary, the available evidence is currently insufficient to determine the role of this variant in disease. Therefore, it has been classified as a Variant of Uncertain Significance.

Genomenon, Inc
Classification: Uncertain significance for Atypical hemolytic-uremic syndrome; Age related macular degeneration 4; Factor H deficiency. Last evaluated: 2025-10-02. Review status: criteria provided, single submitter. Criteria: Genomenon Sequence Variant Interpretation Standards - Updated. Collection method: curation. Allele origin: germline. Affected: yes.
Comment: CFH p.Asn516Lys (c.1548T>A) is a missense variant that changes the amino acid at residue 516 from Asparagine to Lysine. This variant has been observed in at least one proband affected with a CFH-related disorder (PMID:34508573;30890598;34852172;26501415;34631043;23431077;30916388;37744338;35925583;29606012;29888403). It has been observed in trans with a pathogenic variant (PMID:36845135). Functional studies have been reported (PMID:36845135;34189567). In conclusion, we classify CFH p.Asn516Lys (c.1548T>A) as a variant of uncertain significance.

Mayo Clinic Laboratories, Mayo Clinic
Classification: Uncertain significance. Last evaluated: 2025-02-05. Review status: criteria provided, single submitter. Criteria: ACMG Guidelines, 2015. Collection method: clinical testing. Allele origin: germline. Observed: 4 variant alleles.

Blueprint Genetics
Classification: Likely benign. Last evaluated: 2024-11-01. Review status: criteria provided, single submitter. Criteria: ACMG Guidelines, 2015. Collection method: clinical testing. Allele origin: germline.

Fulgent Genetics
Classification: Uncertain significance for Basal laminar drusen; Hemolytic uremic syndrome, atypical, susceptibility to, 1; Factor H deficiency; Age related macular degeneration 4. Last evaluated: 2024-06-17. Review status: criteria provided, single submitter. Criteria: ACMG Guidelines, 2015. Collection method: clinical testing. Allele origin: germline.

Illumina Laboratory Services, Illumina
Classification: Likely benign for Age related macular degeneration 4. Last evaluated: 2017-04-27. Review status: criteria provided, single submitter. Criteria: ICSL Variant Classification Criteria 13 December 2019. Collection method: clinical testing. Allele origin: germline.
Comment: This variant was observed as part of a predisposition screen in an ostensibly healthy population. A literature search was performed for the gene, cDNA change, and amino acid change (where applicable). No publications were found based on this search. Allele frequency data from public databases allowed determination this variant is unlikely to cause disease. Therefore, this variant is classified as likely benign.

Illumina Laboratory Services, Illumina
Classification: Likely benign for Basal laminar drusen. Last evaluated: 2017-04-27. Review status: criteria provided, single submitter. Criteria: ICSL Variant Classification Criteria 13 December 2019. Collection method: clinical testing. Allele origin: germline.
Comment: the same text as in the submission from Illumina Laboratory Services, Illumina above.

Illumina Laboratory Services, Illumina
Classification: Likely benign for Hemolytic uremic syndrome, atypical, susceptibility to, 1. Last evaluated: 2017-04-27. Review status: criteria provided, single submitter. Criteria: ICSL Variant Classification Criteria 13 December 2019. Collection method: clinical testing. Allele origin: germline.
Comment: the same text as in the submission from Illumina Laboratory Services, Illumina above.

Illumina Laboratory Services, Illumina
Classification: Likely benign for Membranoproliferative glomerulonephritis with complement factor h deficiency. Last evaluated: 2017-04-27. Review status: criteria provided, single submitter. Criteria: ICSL Variant Classification Criteria 13 December 2019. Collection method: clinical testing. Allele origin: germline.
Comment: This variant was observed as part of a predisposition screen in an ostensibly healthy population. A literature search was performed for the gene, cDNA change, and amino acid change (where applicable). Publications were found based on this search. The evidence from the literature, in combination with allele frequency data from public databases where available, was sufficient to determine this variant is unlikely to cause disease. Therefore, this variant is classified as likely benign.

Clinical Genetics DNA and cytogenetics Diagnostics Lab, Erasmus MC, Erasmus Medical Center
Classification: Uncertain significance. Review status: no assertion criteria provided. Collection method: clinical testing. Allele origin: germline. Affected: yes. Study: VKGL Data-share Consensus. Not counted in ClinVar's aggregate classification.

Diagnostic Laboratory, Department of Genetics, University Medical Center Groningen
Classification: Uncertain significance. Review status: no assertion criteria provided. Collection method: clinical testing. Allele origin: germline. Affected: yes. Study: VKGL Data-share Consensus. Not counted in ClinVar's aggregate classification.

Literature cited by the submitters: PubMed 23431077 (cited by Labcorp Genetics (formerly Invitae), Labcorp and Genomenon, Inc); PubMed 25037630 (cited by Labcorp Genetics (formerly Invitae), Labcorp and Illumina Laboratory Services, Illumina); PubMed 26501415 (cited by Labcorp Genetics (formerly Invitae), Labcorp and Genomenon, Inc); PubMed 29606012 (cited by Labcorp Genetics (formerly Invitae), Labcorp and Genomenon, Inc); PubMed 29888403 (cited by 3 submitters); PubMed 30916388 (cited by Labcorp Genetics (formerly Invitae), Labcorp and Genomenon, Inc); PubMed 34508573 (cited by Labcorp Genetics (formerly Invitae), Labcorp and Genomenon, Inc); PubMed 34852172 (cited by Labcorp Genetics (formerly Invitae), Labcorp and Genomenon, Inc); PubMed 35925583 (cited by 3 submitters); PubMed 34189567 (cited by Labcorp Genetics (formerly Invitae), Labcorp and Genomenon, Inc); PubMed 30890598 (cited by Genomenon, Inc); PubMed 34631043 (cited by Genomenon, Inc); PubMed 37744338 (cited by Genomenon, Inc); PubMed 36845135 (cited by Genomenon, Inc); PubMed 18557729 (cited by Mayo Clinic Laboratories, Mayo Clinic and Illumina Laboratory Services, Illumina); PubMed 22223606 (cited by Mayo Clinic Laboratories, Mayo Clinic and Illumina Laboratory Services, Illumina); PubMed 30476936 (cited by Mayo Clinic Laboratories, Mayo Clinic); PubMed 22171659 (cited by Illumina Laboratory Services, Illumina).

NM_000186.4(CFH):c.1548T>A (p.Asn516Lys)

Gene: CFH (complement factor H; plus strand). Cytogenetic location: 1q31.3.
Variant type: single nucleotide variant.
Coding change: c.1548T>A on transcript NM_000186.4 (MANE Select); coding-DNA position 1548, T replaced by A.
Protein change: p.Asn516Lys; replaces asparagine 516 with lysine.
Molecular consequence: missense variant.
Genome position (GRCh38, 1-based): chr1:196,715,621, T>A. VCF-style: chr1-196715621-T-A. GRCh37 (hg19) VCF-style: chr1-196684751-T-A.
Other names: short protein forms N516K.
Identifiers: ClinVar variation 294493 (VCV000294493.21), dbSNP rs147403664, ClinGen allele CA1305438.
Genomic context (GRCh38, chr1:196,715,621, plus strand): 5'-AGAAATGACATTCTAAATTTTTTATGCACTAGAATCTTGTGATATCCCAGTATTTATGAA[T>A]GCCAGAACTAAAAATGACTTCACATGGTTTAAGCTGAATGACACATTGGACTATGAATGC-3'
Protein context (NP_000177.2, residues 506-526): IKSCDIPVFM[Asn516Lys]ARTKNDFTWF